The following is an entry in ClinVar:

NM_000038.6(APC):c.2602G>C (p.Glu868Gln)

Gene: APC (APC regulator of Wnt signaling pathway; plus strand). Cytogenetic location: 5q22.2.
Variant type: single nucleotide variant.
Coding change: c.2602G>C on transcript NM_000038.6 (MANE Select); coding-DNA position 2602, G replaced by C.
Protein change: p.Glu868Gln; replaces glutamic acid 868 with glutamine.
Molecular consequence: missense variant.
Genome position (GRCh38, 1-based): chr5:112,838,196, G>C. VCF-style: chr5-112838196-G-C. GRCh37 (hg19) VCF-style: chr5-112173893-G-C.
Other names: c.2656G>C, p.Glu886Gln (NM_001407449.1, NM_001354896.2, NM_001407447.1 and 1 more transcripts); c.2602G>C, p.Glu868Gln (NM_001407450.1, NM_001127510.3, NM_001354895.2); c.2581G>C, p.Glu861Gln (NM_001407451.1); c.2572G>C, p.Glu858Gln (NM_001407452.1); c.2425G>C, p.Glu809Gln (NM_001407453.1, NM_001354901.2); c.2353G>C, p.Glu785Gln (NM_001407454.1, NM_001407455.1, NM_001407456.1 and 1 more transcripts); c.2299G>C, p.Glu767Gln (NM_001407458.1, NM_001407459.1, NM_001407460.1 and 1 more transcripts); c.2215G>C, p.Glu739Gln (NM_001407467.1, NM_001407469.1); and 11 more; short protein forms E585Q, E739Q, E777Q, E785Q, E843Q, E850Q, E878Q, E840Q.
Identifiers: ClinVar variation 1997829 (VCV001997829.4), dbSNP rs2149873408, ClinGen allele CA16027025.
Genomic context (GRCh38, chr5:112,838,196, plus strand): 5'-AAAGATAGAAGTTTGGAGAGAGAACGCGGAATTGGTCTAGGCAACTACCATCCAGCAACA[G>C]AAAATCCAGGAACTTCTTCAAAGCGAGGTTTGCAGATCTCCACCACTGCAGCCCAGATTG-3'
Protein context (NP_000029.2, residues 858-878): IGLGNYHPAT[Glu868Gln]NPGTSSKRGL

ClinVar aggregate classification (germline): Uncertain significance (1 of 4 stars; one submission).

Conditions:
Familial adenomatous polyposis 1 (FAP1). Also called: FAMILIAL ADENOMATOUS POLYPOSIS 1, ATTENUATED; POLYPOSIS, ADENOMATOUS INTESTINAL. Identifiers: MedGen C2713442, MONDO:0021056, OMIM 175100. Disease mechanism: loss of function.

Submission:

Labcorp Genetics (formerly Invitae), Labcorp
Classification: Uncertain significance for Familial adenomatous polyposis 1. Last evaluated: 2022-05-22. Review status: criteria provided, single submitter. Criteria: Invitae Variant Classification Sherloc (09022015). Collection method: clinical testing. Allele origin: germline.
Comment: In summary, the available evidence is currently insufficient to determine the role of this variant in disease. Therefore, it has been classified as a Variant of Uncertain Significance. Algorithms developed to predict the effect of missense changes on protein structure and function are either unavailable or do not agree on the potential impact of this missense change (SIFT: "Tolerated"; PolyPhen-2: "Possibly Damaging"; Align-GVGD: "Class C0"). This variant has not been reported in the literature in individuals affected with APC-related conditions. This variant is not present in population databases (gnomAD no frequency). This sequence change replaces glutamic acid, which is acidic and polar, with glutamine, which is neutral and polar, at codon 868 of the APC protein (p.Glu868Gln).